The following is an entry in ClinVar:

NM_000492.4(CFTR):c.851T>C (p.Met284Thr)

Gene: CFTR (CF transmembrane conductance regulator; plus strand). Cytogenetic location: 7q31.2.
Variant type: single nucleotide variant.
Coding change: c.851T>C on transcript NM_000492.4 (MANE Select); coding-DNA position 851, T replaced by C.
Protein change: p.Met284Thr; replaces methionine 284 with threonine.
Molecular consequence: missense variant.
Genome position (GRCh38, 1-based): chr7:117,536,655, T>C. VCF-style: chr7-117536655-T-C. GRCh37 (hg19) VCF-style: chr7-117176709-T-C.
Other names: short protein forms M284T.
Identifiers: ClinVar variation 1052165 (VCV001052165.9), dbSNP rs2116678778, ClinGen allele CA368977552.

ClinVar aggregate classification (germline): Uncertain significance (1 of 4 stars; one submission).

Conditions:
Cystic fibrosis (CF). Also called: MUCOVISCIDOSIS. Identifiers: Orphanet 586, MedGen C0010674, MONDO:0009061, OMIM 219700. Disease mechanism: loss of function.

Submission:

Labcorp Genetics (formerly Invitae), Labcorp
Classification: Uncertain significance for Cystic fibrosis. Last evaluated: 2020-03-04. Review status: criteria provided, single submitter. Criteria: Invitae Variant Classification Sherloc (09022015). Collection method: clinical testing. Allele origin: germline.
Comment: This sequence change replaces methionine with threonine at codon 284 of the CFTR protein (p.Met284Thr). The methionine residue is weakly conserved and there is a moderate physicochemical difference between methionine and threonine. This variant is not present in population databases (ExAC no frequency). This variant has been observed in individual(s) with idiopathic chronic pancreatitis (PMID: 18687795). Algorithms developed to predict the effect of missense changes on protein structure and function (SIFT, PolyPhen-2, Align-GVGD) all suggest that this variant is likely to be tolerated, but these predictions have not been confirmed by published functional studies and their clinical significance is uncertain. In summary, the available evidence is currently insufficient to determine the role of this variant in disease. Therefore, it has been classified as a Variant of Uncertain Significance.

Literature cited by the submitters: PubMed 18687795.